The following is an entry in ClinVar:

ClinVar aggregate classification (germline): Uncertain significance (1 of 4 stars; one submission).

Allele frequency attached by ClinVar (database versions not stated): gnomAD exomes 0.00001; TOPMed 0.00001.
gnomAD v4.1: 12 of 1,613,918 alleles (0.00074%); highest among the groups gnomAD compares: Non-Finnish European, 0.00093%; no homozygotes.

Submission:

Labcorp Genetics (formerly Invitae), Labcorp
Classification: Uncertain significance. Last evaluated: 2023-11-24. Review status: criteria provided, single submitter. Criteria: Invitae Variant Classification Sherloc (09022015). Collection method: clinical testing. Allele origin: germline.
Comment: This sequence change replaces arginine, which is basic and polar, with glutamine, which is neutral and polar, at codon 1135 of the MYH9 protein (p.Arg1135Gln). This variant is not present in population databases (gnomAD no frequency). This variant has not been reported in the literature in individuals affected with MYH9-related conditions. Advanced modeling of protein sequence and biophysical properties (such as structural, functional, and spatial information, amino acid conservation, physicochemical variation, residue mobility, and thermodynamic stability) performed at Invitae indicates that this missense variant is not expected to disrupt MYH9 protein function with a negative predictive value of 80%. In summary, the available evidence is currently insufficient to determine the role of this variant in disease. Therefore, it has been classified as a Variant of Uncertain Significance.

NM_002473.6(MYH9):c.3404G>A (p.Arg1135Gln)

Gene: MYH9 (myosin heavy chain 9; minus strand). Cytogenetic location: 22q12.3.
Variant type: single nucleotide variant.
Coding change: c.3404G>A on transcript NM_002473.6 (MANE Select); coding-DNA position 3404, G replaced by A.
Protein change: p.Arg1135Gln; replaces arginine 1135 with glutamine.
Molecular consequence: missense variant.
Genome position (GRCh38, 1-based): chr22:36,295,586, C>T on the plus strand (G>A on the coding strand, the complement: MYH9 is on the minus strand). VCF-style: chr22-36295586-C-T. GRCh37 (hg19) VCF-style: chr22-36691632-C-T.
Other names: short protein forms R1135Q.
Identifiers: ClinVar variation 2781898 (VCV002781898.3), dbSNP rs2016775839, ClinGen allele CA411388565.